The following is an entry in ClinVar:

ClinVar aggregate classification (germline): Conflicting classifications of pathogenicity. Review status: criteria provided, conflicting classifications (1 of 4 stars). 3 submissions from 3 submitters: Uncertain significance (2); Likely benign (1). Last evaluated 2025-08-08.

Conditions:
Proline dehydrogenase deficiency (HYRPRO1). Also called: Hyperprolinemia type 1; PROLINE OXIDASE DEFICIENCY. Identifiers: Orphanet 419, MedGen C0268529, MONDO:0009400, OMIM 239500.

Allele frequency attached by ClinVar (database versions not stated): ExAC 0.00015.

Submissions (3):

Labcorp Genetics (formerly Invitae), Labcorp
Classification: Uncertain significance for Proline dehydrogenase deficiency. Last evaluated: 2025-08-08. Review status: criteria provided, single submitter. Criteria: Invitae Variant Classification Sherloc (09022015). Collection method: clinical testing. Allele origin: germline.
Comment: This sequence change affects codon 245 of the PRODH mRNA. It is a 'silent' change, meaning that it does not change the encoded amino acid sequence of the PRODH protein. It affects a nucleotide within the consensus splice site. This variant is present in population databases (rs201106226, gnomAD 0.03%). This variant has not been reported in the literature in individuals affected with PRODH-related conditions. ClinVar contains an entry for this variant (Variation ID: 2420553). Algorithms developed to predict the effect of sequence changes on RNA splicing suggest that this variant is not likely to affect RNA splicing. In summary, the available evidence is currently insufficient to determine the role of this variant in disease. Therefore, it has been classified as a Variant of Uncertain Significance.

Blueprint Genetics
Classification: Likely benign. Last evaluated: 2024-10-17. Review status: criteria provided, single submitter. Criteria: ACMG Guidelines, 2015. Collection method: clinical testing. Allele origin: germline.

Women's Health and Genetics/Laboratory Corporation of America, LabCorp
Classification: Uncertain significance. Last evaluated: 2023-07-21. Review status: criteria provided, single submitter. Criteria: LabCorp Variant Classification Summary - May 2015. Collection method: clinical testing. Allele origin: germline.
Comment: Variant summary: PRODH c.733C>T (p.Leu245Leu) alters a conserved nucleotide located close to a canonical splice site and therefore could affect mRNA splicing, leading to a significantly altered protein sequence. Computational tools predict no significant impact on normal splicing. However, these predictions have yet to be confirmed by functional studies. The variant allele was found at a frequency of 0.00018 in 235264 control chromosomes. To our knowledge, no occurrence of c.733C>T in individuals affected with Proline Dehydrogenase Deficiency and no experimental evidence demonstrating its impact on protein function have been reported. One submitter has cited clinical-significance assessments for this variant to ClinVar after 2014 and has classified the variant as uncertain significance. Based on the evidence outlined above, the variant was classified as uncertain significance.

NM_016335.6(PRODH):c.733C>T (p.Leu245=)

Gene: PRODH (proline dehydrogenase 1; minus strand). Cytogenetic location: 22q11.21.
Variant type: single nucleotide variant.
Coding change: c.733C>T on transcript NM_016335.6 (MANE Select); coding-DNA position 733, C replaced by T.
Protein change: p.Leu245=; no amino-acid change (leucine 245 retained).
Molecular consequence: synonymous variant.
Genome position (GRCh38, 1-based): chr22:18,922,933, G>A on the plus strand (C>T on the coding strand, the complement: PRODH is on the minus strand). VCF-style: chr22-18922933-G-A. GRCh37 (hg19) VCF-style: chr22-18910446-G-A.
Other names: c.409C>T, p.Leu137= (NM_001195226.2, NM_001368250.2).
Identifiers: ClinVar variation 2420553 (VCV002420553.9), dbSNP rs201106226, ClinGen allele CA10095250.